The following is an entry in ClinVar:

NM_000540.3(RYR1):c.11557G>A (p.Glu3853Lys)

Gene: RYR1 (ryanodine receptor 1; plus strand). Cytogenetic location: 19q13.2.
Variant type: single nucleotide variant.
Coding change: c.11557G>A on transcript NM_000540.3 (MANE Select); coding-DNA position 11557, G replaced by A.
Protein change: p.Glu3853Lys; replaces glutamic acid 3853 with lysine.
Molecular consequence: missense variant.
Genome position (GRCh38, 1-based): chr19:38,536,037, G>A. VCF-style: chr19-38536037-G-A. GRCh37 (hg19) VCF-style: chr19-39026677-G-A.
Other names: c.11542G>A, p.Glu3848Lys (NM_001042723.2); short protein forms E3853K, E3848K.
Identifiers: ClinVar variation 161376 (VCV000161376.23), dbSNP rs145087576, ClinGen allele CA023918.
Genomic context (GRCh38, chr19:38,536,037, plus strand): 5'-CTTTCCTTTCTTTTCCTCAGCGTCCTGGATCTCAATGCCTTTGAGAGACAGAACAAGGCC[G>A]AGGGGCTGGGCATGGTGAATGAGGATGGCACTGGTGAGGCCCTCCCTTGGGCTTCCCACC-3'
Protein context (NP_000531.2, residues 3843-3863): LNAFERQNKA[Glu3853Lys]GLGMVNEDGT

ClinVar aggregate classification (germline): Conflicting classifications of pathogenicity. Review status: criteria provided, conflicting classifications (1 of 4 stars). 10 submissions from 10 submitters: Likely pathogenic (2); Uncertain significance (7). 1 of the submissions does not count toward it. Last evaluated 2026-01-13.

Conditions:
RYR1-related disorder. Also called: RYR1-related disorders; RYR1-related condition. Identifiers: MedGen CN239331.
Muscular dystrophy and arthrogryposis.
Congenital multicore myopathy with external ophthalmoplegia (CMYO1B). Also called: Congenital myopathy 1B, autosomal recessive; Minicore myopathy; MULTICORE MYOPATHY; MULTIMINICORE DISEASE WITH EXTERNAL OPHTHALMOPLEGIA; Minicore myopathy with external ophthalmoplegia. Identifiers: Orphanet 598, Orphanet 98905, MedGen C1850674, MONDO:0009712, OMIM 255320, HP:0003789.
Malignant hyperthermia, susceptibility to, 1 (MHS1). Also called: Malignant hyperthermia suceptibility 1; Anesthesia related hyperthermia; Malignant hyperpyrexia; Fulminating hyperpyrexia; Pharmacogenic myopathy; RYR1-Related Malignant Hyperthermia Susceptibility. Identifiers: Orphanet 423, MedGen C2930980, MONDO:0007783, OMIM 145600.

Allele frequency attached by ClinVar (database versions not stated): ExAC 0.00004; gnomAD 0.00004; gnomAD exomes 0.00005; TOPMed 0.00007; ESP Exome Variant Server 0.00008.
gnomAD v4.1: 113 of 1,613,646 alleles (0.007%); highest among the groups gnomAD compares: South Asian, 0.025%; 1 homozygote.

Submissions (10):

Women's Health and Genetics/Laboratory Corporation of America, LabCorp
Classification: Uncertain significance. Last evaluated: 2026-01-13. Review status: criteria provided, single submitter. Criteria: LabCorp Variant Classification Summary - May 2015. Collection method: clinical testing. Allele origin: germline.
Comment: Variant summary: RYR1 c.11557G>A (p.Glu3853Lys) results in a conservative amino acid change in the encoded protein sequence. Algorithms developed to predict the effect of missense changes on protein structure and function are either unavailable or do not agree on the potential impact of this missense change. The variant allele was found at a frequency of 5.2e-05 in 250704 control chromosomes. This frequency is not significantly higher than estimated for disease-causing variants in RYR1, allowing no conclusion about variant significance. c.11557G>A has been observed in individuals affected with Myopathy, RYR1-Associated (Vasli_2012, Garibaldi_2019). c.11557G>A has also been reported in a heterozygous state in an individual affected with autosomal dominant malignant hyperthermia (Sadhasivam_2019). These data indicates that this variant may be associated with diseases. To our knowledge, no experimental evidence demonstrating an impact on protein function has been reported. The following publications have been ascertained in the context of this evaluation (PMID: 30611313, 22526018, 31559918). ClinVar contains an entry for this variant (Variation ID: 161376). Based on the evidence outlined above, the variant was classified as VUS-possibly pathogenic.

PreventionGenetics, part of Exact Sciences
Classification: Uncertain significance for RYR1-related condition. Last evaluated: 2025-11-03. Review status: criteria provided, single submitter. Criteria: ACMG Guidelines, 2015. Collection method: clinical testing. Allele origin: germline.
Comment: The RYR1 c.11557G>A variant is predicted to result in the amino acid substitution p.Glu3853Lys. This variant has been previously reported in the compound heterozygous state in an individual with muscular dystrophy and arthrogryposis (Table 2, Vasli et al. 2012. PubMed ID: 22526018). The c.11557G>A variant was also identified in an individual with central core disease and focal areas of myofibrillar disorganization as observed in analysis of muscle biopsy (Garibaldi et al. 2019. PubMed ID: 30611313). However, this variant was also reported in an individual with elevated thyroid stimulating hormone and without medical or family history of susceptibility to malignant hyperthermia (MHS) (reported as c.10747G>C; p.Glu3853Lys in Table S3, Gonsalves et al. 2013. PubMed ID: 24195946). Furthermore, this variant was reported as uncertain by two separate studies which evaluated the pathogenicity of specific variants (Table S1, Amendola et al. 2015. PubMed ID: 25637381; Sadhasivam et al. 2019. PubMed ID: 31559918). This variant is reported in 0.016% of alleles in individuals of South Asian descent in gnomAD. At this time, the clinical significance of this variant is uncertain due to the absence of conclusive functional and genetic evidence.

Labcorp Genetics (formerly Invitae), Labcorp
Classification: Likely pathogenic for RYR1-related disorder. Last evaluated: 2025-10-02. Review status: criteria provided, single submitter. Criteria: Invitae Variant Classification Sherloc (09022015). Collection method: clinical testing. Allele origin: germline.
Comment: This sequence change replaces glutamic acid, which is acidic and polar, with lysine, which is basic and polar, at codon 3853 of the RYR1 protein (p.Glu3853Lys). This variant is present in population databases (rs145087576, gnomAD 0.02%). This missense change has been observed in individual(s) with autosomal recessive RYR1-related conditions (PMID: 22526018, 30611313). In at least one individual the data is consistent with being in trans (on the opposite chromosome) from a pathogenic variant. This variant has been reported in individual(s) with autosomal dominant malignant hyperthermia (PMID: 31559918); however, the role of the variant in this condition is currently unclear. ClinVar contains an entry for this variant (Variation ID: 161376). Invitae Evidence Modeling of protein sequence and biophysical properties (such as structural, functional, and spatial information, amino acid conservation, physicochemical variation, residue mobility, and thermodynamic stability) indicates that this missense variant is expected to disrupt RYR1 protein function with a positive predictive value of 80%. In summary, the currently available evidence indicates that the variant is pathogenic, but additional data are needed to prove that conclusively. Therefore, this variant has been classified as Likely Pathogenic.

Dasa
Classification: Uncertain significance. Last evaluated: 2025-05-30. Review status: criteria provided, single submitter. Criteria: DASA Assertion Criteria. Collection method: clinical testing. Allele origin: germline.
Comment: NM_000540.3(RYR1):c.11557G>A (p.Glu3853Lys) is a missense variant that results in the substitution of glutamic acid with lysine. The affected residue or protein region has prior evidence supporting clinical relevance. This variant has been reported in individuals with RYR1-related disorders (PMID: 22526018). This classification is supported by population frequency inconsistent with a disease-causing role. Computational prediction algorithms are consistent with a deleterious effect. The currently available literature and clinical evidence are not sufficient to establish a definitive association between this variant and the reported condition. Therefore, this variant is classified as a variant of uncertain significance.

All of Us Research Program, National Institutes of Health
Classification: Uncertain significance for Malignant hyperthermia, susceptibility to, 1. Last evaluated: 2024-09-23. Review status: criteria provided, single submitter. Criteria: ACMG Guidelines, 2015. Collection method: clinical testing. Allele origin: germline. Inheritance: Autosomal dominant inheritance. Observed: 16 variant alleles, 16 heterozygotes.
Comment: This missense variant replaces glutamic acid with lysine at codon 3853 of the RYR1 protein. Computational prediction suggests that this variant may have deleterious impact on protein structure and function (internally defined REVEL score threshold >= 0.7, PMID: 27666373). To our knowledge, functional studies have not been reported for this variant. This variant has been reported in an individual affected with malignant hyperthermia susceptibility (PMID: 31559918). This variant has been identified in 15/282054 chromosomes in the general population by the Genome Aggregation Database (gnomAD). The available evidence is insufficient to determine the role of this variant in disease conclusively. Therefore, this variant is classified as a Variant of Uncertain Significance.

This study involves interpretation of variants in research participants for the purpose of population health screening. Participant phenotype was not available at the time of variant classification. Additional details can be found in publication PMID: 35346344, PMCID: PMC8962531

Color Diagnostics, LLC DBA Color Health
Classification: Uncertain significance for Malignant hyperthermia, susceptibility to, 1. Last evaluated: 2024-04-18. Review status: criteria provided, single submitter. Criteria: ACMG Guidelines, 2015. Collection method: clinical testing. Allele origin: germline.
Comment: This missense variant replaces glutamic acid with lysine at codon 3853 of the RYR1 protein. Computational prediction suggests is inconclusive regarding the impact of this variant on protein structure and function. To our knowledge, functional studies have not been reported for this variant. This variant has been reported in an individual affected with malignant hyperthermia susceptibility (PMID: 31559918), but is associated with other phenotype(s) (ClinVar Variation ID: 161376). This variant has been identified in 15/282054 chromosomes in the general population by the Genome Aggregation Database (gnomAD). Due to insufficient evidence, this variant is classified as a Variant of Uncertain Significance for autosomal dominant malignant hyperthermia.

GeneDx
Classification: Uncertain significance. Last evaluated: 2023-05-26. Review status: criteria provided, single submitter. Criteria: GeneDx Variant Classification Process June 2021. Collection method: clinical testing. Allele origin: germline. Affected: yes.
Comment: In silico analysis supports that this missense variant has a deleterious effect on protein structure/function; This variant is associated with the following publications: (PMID: 24195946, 25637381, 31559918, 30611313, 22526018)

Biesecker Lab/Clinical Genomics Section, National Institutes of Health
Classification: Uncertain significance for Malignant hyperthermia, susceptibility to, 1. Last evaluated: 2013-07-01. Review status: criteria provided, single submitter. Criteria: Gonsalves et al. 2013. Collection method: research. Allele origin: unknown. Observed: 1 variant allele. Study: ClinSeq.
Comment: The study set was not selected for affection status in relation to any myopathy. Pathogenicity categories were based on literature curation. See Pubmed ID: 24195946 for details.

Juno Genomics, Hangzhou Juno Genomics, Inc
Classification: Likely pathogenic for Congenital multicore myopathy with external ophthalmoplegia. Review status: criteria provided, single submitter. Criteria: ACMG Guidelines, 2015. Collection method: clinical testing. Allele origin: germline.
Comment: Absent from controls (or at extremely low frequency if recessive) in Genome Aggregation Database.;Multiple lines of computational evidence support a deleterious effect on the gene or gene product.;Missense variant in a gene that has a low rate of benign missense variation.;For recessive disorders, detected in trans with a pathogenic variant.

CSER _CC_NCGL, University of Washington
Classification: Uncertain significance for Muscular dystrophy and arthrogryposis. Last evaluated: 2014-06-01. Review status: no assertion criteria provided. Collection method: research. Allele origin: germline. Inheritance: Autosomal dominant inheritance. Study: ESP 6500 variant annotation. Not counted in ClinVar's aggregate classification.
Comment: Variants classified for the Actionable exomic incidental findings in 6503 participants: challenges of variant classification manuscript

Literature cited by the submitters: PubMed 22526018 (cited by 3 submitters); PubMed 30611313 (cited by Women's Health and Genetics/Laboratory Corporation of America, LabCorp and Labcorp Genetics (formerly Invitae), Labcorp); PubMed 31559918 (cited by 4 submitters).